The following is an entry in ClinVar:

NM_001267550.2(TTN):c.30682+10C>T

Gene: TTN (titin; minus strand). Cytogenetic location: 2q31.2.
Variant type: single nucleotide variant.
Coding change: c.30682+10C>T on transcript NM_001267550.2 (MANE Select); 10 bases into the intron after coding-DNA position 30682, C replaced by T.
Molecular consequence: intron variant.
Genome position (GRCh38, 1-based): chr2:178,701,110, G>A on the plus strand (C>T on the coding strand, the complement: TTN is on the minus strand). VCF-style: chr2-178701110-G-A. GRCh37 (hg19) VCF-style: chr2-179565837-G-A.
Other names: c.13282+36972C>T (NM_003319.4); c.13858+36972C>T (NM_133437.4); c.13657+36972C>T (NM_133432.3); c.26950+10C>T (NM_133378.4); c.29731+10C>T (NM_001256850.1).
Identifiers: ClinVar variation 179650 (VCV000179650.7), dbSNP rs727505022, ClinGen allele CA184844.

ClinVar aggregate classification (germline): Likely benign. Review status: criteria provided, multiple submitters, no conflicts (2 of 4 stars). 2 submissions from 2 submitters: Likely benign (2). Last evaluated 2024-10-21.

Conditions:
Dilated cardiomyopathy 1G (CMD1G). Identifiers: Orphanet 154, MedGen C1858763, MONDO:0011400, OMIM 604145.
Autosomal recessive limb-girdle muscular dystrophy type 2J (LGMDR10). Also called: Limb-girdle muscular dystrophy, type 2J; MUSCULAR DYSTROPHY, LIMB-GIRDLE, AUTOSOMAL RECESSIVE 10. Identifiers: Orphanet 140922, MedGen C1837342, MONDO:0012127, OMIM 608807.

Allele frequency attached by ClinVar (database versions not stated): gnomAD exomes below 0.00001.
gnomAD v4.1: 1 of 1,612,166 alleles (0.000062%); highest among the groups gnomAD compares: Non-Finnish European, 0.000085%; no homozygotes.

Submissions (2):

Labcorp Genetics (formerly Invitae), Labcorp
Classification: Likely benign for Dilated cardiomyopathy 1G; Autosomal recessive limb-girdle muscular dystrophy type 2J. Last evaluated: 2024-10-21. Review status: criteria provided, single submitter. Criteria: Invitae Variant Classification Sherloc (09022015). Collection method: clinical testing. Allele origin: germline.

Laboratory for Molecular Medicine, Mass General Brigham Personalized Medicine
Classification: Likely benign. Last evaluated: 2014-03-13. Review status: criteria provided, single submitter. Criteria: LMM Criteria. Collection method: clinical testing. Allele origin: germline. Observed: 1 variant allele.
Comment: 26950+10C>T in intron 108 of TTN: This variant is not expected to have clinical significance because it is not located within the splice consensus sequence.